The following is an entry in ClinVar:

NC_000002.12:g.(?_110091603)_(110204968_?)del

Genes: MALL (mal, T cell differentiation protein like; minus strand), NPHP1 (nephrocystin 1; minus strand). Cytogenetic location: 2q13.
Variant type: Deletion.
Identifiers: ClinVar variation 830720 (VCV000830720.1).

ClinVar aggregate classification (germline): Pathogenic (1 of 4 stars; one submission).

Conditions:
Nephronophthisis. Also called: Juvenile Nephronophthisis. Identifiers: Orphanet 655, MedGen C0687120, MONDO:0019005, HP:0000090.

Submission:

Labcorp Genetics (formerly Invitae), Labcorp
Classification: Pathogenic for Nephronophthisis. Last evaluated: 2019-12-31. Review status: criteria provided, single submitter. Criteria: Invitae Variant Classification Sherloc (09022015). Collection method: clinical testing. Allele origin: germline.
Comment: A gross deletion of the genomic region encompassing the full coding sequence of the NPHP1 gene has been identified. The boundaries of this event are unknown as the deletion extends beyond the assayed region for this gene and therefore may encompass additional genes. Full gene deletions of NPHP1 have been reported in individuals with juvenile nephronophthisis, Bardet-Biedl syndrome, Joubert syndrome, and congenital ocular motor apraxia type Cogan (PMID: 8852662, 10620543, 24746959, 15138899, 10839884). ClinVar contains an entry for this variant (Variation ID: 237627). Loss-of-function variants in NPHP1 are known to be pathogenic (PMID: 23559409). For these reasons, this variant has been classified as Pathogenic.

Literature cited by the submitters: PubMed 10839884; PubMed 15138899; PubMed 8852662; PubMed 24746959; PubMed 10620543.